The following is an entry in ClinVar:

NM_002474.3(MYH11):c.4891C>T (p.Leu1631Phe)

Genes: MYH11 (myosin heavy chain 11; minus strand), NDE1 (nudE neurodevelopment protein 1; plus strand). Cytogenetic location: 16p13.11.
Variant type: single nucleotide variant.
Coding change: c.4891C>T on transcript NM_002474.3 (MANE Select); coding-DNA position 4891, C replaced by T.
Protein change: p.Leu1631Phe; replaces leucine 1631 with phenylalanine.
Molecular consequence: missense variant. On other transcripts: intron variant (2).
Genome position (GRCh38, 1-based): chr16:15,720,213, G>A on the plus strand (C>T on the coding strand, the complement: MYH11 is on the minus strand). VCF-style: chr16-15720213-G-A. GRCh37 (hg19) VCF-style: chr16-15814070-G-A.
Other names: c.4912C>T, p.Leu1638Phe (NM_001040113.2, NM_001040114.2); c.4891C>T, p.Leu1631Phe (NM_022844.3); c.948-3978G>A (NM_001143979.2, NM_017668.3); short protein forms L1631F, L1638F.
Identifiers: ClinVar variation 1171618 (VCV001171618.3), dbSNP rs1364670858, ClinGen allele CA394852416.

ClinVar aggregate classification (germline): Uncertain significance (1 of 4 stars; one submission).

Conditions:
Familial thoracic aortic aneurysm and aortic dissection (TAAD). Also called: Thoracic aortic aneurysms and dissections. Identifiers: Orphanet 91387, MedGen C4707243, MONDO:0019625.

Allele frequency attached by ClinVar (database versions not stated): gnomAD exomes below 0.00001; TOPMed below 0.00001; gnomAD 0.00001.
gnomAD v4.1: 3 of 1,614,020 alleles (0.00019%); highest among the groups gnomAD compares: Non-Finnish European, 0.00025%; no homozygotes.

Submission:

Color Diagnostics, LLC DBA Color Health
Classification: Uncertain significance for Familial thoracic aortic aneurysm and aortic dissection. Last evaluated: 2024-03-06. Review status: criteria provided, single submitter. Criteria: ACMG Guidelines, 2015. Collection method: clinical testing. Allele origin: germline.
Comment: This missense variant replaces leucine with phenylalanine at codon 1638 of the MYH11 protein. Computational prediction suggests that this variant may not impact protein structure and function (internally defined REVEL score threshold <= 0.5, PMID: 27666373). To our knowledge, functional studies have not been reported for this variant. This variant has not been reported in individuals affected with cardiovascular disorders in the literature. This variant has not been identified in the general population by the Genome Aggregation Database (gnomAD). The available evidence is insufficient to determine the role of this variant in disease conclusively. Therefore, this variant is classified as a Variant of Uncertain Significance.